The following is an entry in ClinVar:

NM_000143.4(FH):c.1022A>G (p.Asp341Gly)

Gene: FH (fumarate hydratase; minus strand). Cytogenetic location: 1q43.
Variant type: single nucleotide variant.
Coding change: c.1022A>G on transcript NM_000143.4 (MANE Select); coding-DNA position 1022, A replaced by G.
Protein change: p.Asp341Gly; replaces aspartic acid 341 with glycine.
Molecular consequence: missense variant.
Genome position (GRCh38, 1-based): chr1:241,504,128, T>C on the plus strand (A>G on the coding strand, the complement: FH is on the minus strand). VCF-style: chr1-241504128-T-C. GRCh37 (hg19) VCF-style: chr1-241667428-T-C.
Other names: short protein forms D341G.
Identifiers: ClinVar variation 393575 (VCV000393575.13), dbSNP rs1060499640, ClinGen allele CA16609365.

ClinVar aggregate classification (germline): Conflicting classifications of pathogenicity. Review status: criteria provided, conflicting classifications (1 of 4 stars). 5 submissions from 5 submitters: Pathogenic (1); Likely pathogenic (2); Uncertain significance (2). Last evaluated 2025-09-19.

Conditions:
FH-related disorder. Also called: FH-related condition; FH-related disorders.
Hereditary cancer-predisposing syndrome. Also called: Neoplastic Syndromes, Hereditary; Tumor predisposition; Hereditary Cancer Syndrome; Hereditary neoplastic syndrome. Identifiers: Orphanet 140162, MedGen C0027672, MeSH D009386, MONDO:0015356.
Hereditary leiomyomatosis and renal cell cancer. Also called: LEIOMYOMA, MULTIPLE CUTANEOUS; Familial leiomyomatosis; MULTIPLE CUTANEOUS AND UTERINE LEIOMYOMATA 1, WITH OR WITHOUT RENAL CELL CARCINOMA; Multiple cutaneous leiomyomas; FH tumor predisposition syndrome; Reed syndrome. Identifiers: Orphanet 523, MedGen C1708350, MONDO:0007888, OMIM 150800, HP:0007437. Disease mechanism: loss of function.

Allele frequency attached by ClinVar (database versions not stated): gnomAD exomes below 0.00001.

Submissions (6):

Ambry Genetics
Classification: Likely pathogenic for Hereditary cancer-predisposing syndrome. Last evaluated: 2025-09-19. Review status: criteria provided, single submitter. Criteria: Ambry Variant Classification Scheme 2023. Collection method: clinical testing. Allele origin: germline.
Comment: The p.D341G variant (also known as c.1022A>G), located in coding exon 7 of the FH gene, results from an A to G substitution at nucleotide position 1022. The aspartic acid at codon 341 is replaced by glycine, an amino acid with similar properties. This variant was reported in individual(s) with features consistent with FH-related tumor predisposition (Ambry internal data). Other variant(s) at the same codon, p.D341E (c.1023T>G), have been identified in individual(s) with features consistent with FH-related tumor predisposition and shown to impact structural stability (Ambry internal data). This variant is considered to be rare based on population cohorts in the Genome Aggregation Database (gnomAD). This amino acid position is highly conserved in available vertebrate species. In addition, this alteration is predicted to be deleterious by in silico analysis. Based on the majority of available evidence to date, this variant is likely to be pathogenic.

PreventionGenetics, part of Exact Sciences
Classification: Uncertain significance for FH-related condition. Last evaluated: 2023-06-23. Review status: criteria provided, single submitter. Criteria: ACMG Guidelines, 2015. Collection method: clinical testing. Allele origin: germline.
Comment: The FH c.1022A>G variant is predicted to result in the amino acid substitution p.Asp341Gly. To our knowledge, this variant has not been reported in the literature or in a large population database, indicating this variant is rare. It has been reported as pathogenic in a single heterozygous individual documented in the LOVD FH gene-specific database (Fokkema et al. 2011. PubMed ID: 21520333). In ClinVar, this variant has conflicting classifications of uncertain significance and pathogenic. Two alternate missense changes at the same amino acid position have also been reported in individuals with renal cell carcinoma, and leiomyomatosis (Kuwada et al. 2014. PubMed ID: 24684806; Rongioletti et al. 2010. PubMed ID: 21051878). Although we suspect that this variant may be pathogenic, at this time, the clinical significance of this variant is uncertain due to the absence of conclusive functional and genetic evidence.

Labcorp Genetics (formerly Invitae), Labcorp
Classification: Pathogenic. Last evaluated: 2023-04-24. Review status: criteria provided, single submitter. Criteria: Invitae Variant Classification Sherloc (09022015). Collection method: clinical testing. Allele origin: germline.
Comment: This missense change has been observed in individual(s) with clinical features of hereditary leiomyomatosis and renal cell cancer (PMID: 21520333; Invitae). This variant is not present in population databases (gnomAD no frequency). This sequence change replaces aspartic acid, which is acidic and polar, with glycine, which is neutral and non-polar, at codon 341 of the FH protein (p.Asp341Gly). ClinVar contains an entry for this variant (Variation ID: 393575). For these reasons, this variant has been classified as Pathogenic. This variant disrupts the p.Asp341 amino acid residue in FH. Other variant(s) that disrupt this residue have been determined to be pathogenic (PMID: 21051878, 21304509, 22528940, 24684806; Invitae). This suggests that this residue is clinically significant, and that variants that disrupt this residue are likely to be disease-causing. Algorithms developed to predict the effect of sequence changes on RNA splicing suggest that this variant may create or strengthen a splice site. Advanced modeling of protein sequence and biophysical properties (such as structural, functional, and spatial information, amino acid conservation, physicochemical variation, residue mobility, and thermodynamic stability) performed at Invitae indicates that this missense variant is expected to disrupt FH protein function.

Blueprint Genetics
Classification: Likely pathogenic for FH-related disorders. Last evaluated: 2020-09-29. Review status: criteria provided, single submitter. Criteria: ACMG Guidelines, 2015. Collection method: clinical testing. Allele origin: germline. Affected: yes. Observed: 1 variant allele.

Genomic Diagnostic Laboratory, Division of Genomic Diagnostics, Children's Hospital of Philadelphia
Classification: Uncertain significance for Hereditary leiomyomatosis and renal cell cancer. Last evaluated: 2017-01-17. Review status: criteria provided, single submitter. Criteria: DGD Variant Analysis Guidelines. Collection method: clinical testing. Allele origin: germline. Affected: yes. Observed: 2 variant alleles.
Comment: Clinical Testing

Blake Wilde Laboratory, Roswell Park Comprehensive Cancer Center
No classification provided (evidence only). Condition: Hereditary leiomyomatosis and renal cell cancer. Review status: no classification provided. Collection method: in vitro. Allele origin: not applicable. Functional consequence: decreased enzyme activity. Not counted in ClinVar's aggregate classification.

Literature cited by the submitters: PubMed 21520333 (cited by Labcorp Genetics (formerly Invitae), Labcorp); PubMed 21051878 (cited by Labcorp Genetics (formerly Invitae), Labcorp); PubMed 21304509 (cited by Labcorp Genetics (formerly Invitae), Labcorp); PubMed 22528940 (cited by Labcorp Genetics (formerly Invitae), Labcorp); PubMed 24684806 (cited by Labcorp Genetics (formerly Invitae), Labcorp).